The following is an entry in ClinVar:

NM_001130438.3(SPTAN1):c.4280G>A (p.Arg1427His)

Gene: SPTAN1 (spectrin alpha, non-erythrocytic 1; plus strand). Cytogenetic location: 9q34.11.
Variant type: single nucleotide variant.
Coding change: c.4280G>A on transcript NM_001130438.3 (MANE Select); coding-DNA position 4280, G replaced by A.
Protein change: p.Arg1427His; replaces arginine 1427 with histidine.
Molecular consequence: missense variant.
Genome position (GRCh38, 1-based): chr9:128,607,985, G>A. VCF-style: chr9-128607985-G-A. GRCh37 (hg19) VCF-style: chr9-131370264-G-A.
Other names: p.R1427H:CGT>CAT; c.4220G>A, p.Arg1407His (NM_001195532.2, NM_001363765.2); c.4280G>A, p.Arg1427His (NM_001363759.2, NM_003127.4); short protein forms R1427H, R1407H.
Identifiers: ClinVar variation 207291 (VCV000207291.12), dbSNP rs762216368, ClinGen allele CA318618.

ClinVar aggregate classification (germline): Conflicting classifications of pathogenicity. Review status: criteria provided, conflicting classifications (1 of 4 stars). 4 submissions from 4 submitters: Uncertain significance (3); Likely benign (1). Last evaluated 2026-01-05.

Conditions:
Developmental and epileptic encephalopathy, 5 (DEE5). Identifiers: Orphanet 3451, MedGen C3150731, MONDO:0013277, OMIM 613477.
Inborn genetic diseases. Identifiers: MedGen C0950123, MeSH D030342.
Early-infantile DEE. Also called: Ohtahara syndrome; Early infantile epileptic encephalopathy; Early infantile epileptic encephalopathy with suppression bursts. Identifiers: Orphanet 1934, MedGen C0393706, MONDO:0800491.

Allele frequency attached by ClinVar (database versions not stated): gnomAD 0.00002; gnomAD exomes 0.00002 and 0.00004; TOPMed 0.00002; ExAC 0.00005.
gnomAD v4.1: 33 of 1,613,994 alleles (0.002%); highest among the groups gnomAD compares: Non-Finnish European, 0.0024%; no homozygotes.

Submissions (4):

Labcorp Genetics (formerly Invitae), Labcorp
Classification: Uncertain significance for Early-infantile DEE. Last evaluated: 2026-01-05. Review status: criteria provided, single submitter. Criteria: Invitae Variant Classification Sherloc (09022015). Collection method: clinical testing. Allele origin: germline.
Comment: This sequence change replaces arginine, which is basic and polar, with histidine, which is basic and polar, at codon 1427 of the SPTAN1 protein (p.Arg1427His). This variant is present in population databases (rs762216368, gnomAD 0.006%). This variant has not been reported in the literature in individuals affected with SPTAN1-related conditions. ClinVar contains an entry for this variant (Variation ID: 207291). Invitae Evidence Modeling of protein sequence and biophysical properties (such as structural, functional, and spatial information, amino acid conservation, physicochemical variation, residue mobility, and thermodynamic stability) has been performed for this missense variant. However, the output from this modeling did not meet the statistical confidence thresholds required to predict the impact of this variant on SPTAN1 protein function. In summary, the available evidence is currently insufficient to determine the role of this variant in disease. Therefore, it has been classified as a Variant of Uncertain Significance.

Ambry Genetics
Classification: Likely benign for Inborn genetic diseases. Last evaluated: 2022-01-31. Review status: criteria provided, single submitter. Criteria: Ambry Variant Classification Scheme 2023. Collection method: clinical testing. Allele origin: germline.

Genome-Nilou Lab
Classification: Uncertain significance for Developmental and epileptic encephalopathy, 5. Last evaluated: 2021-07-15. Review status: criteria provided, single submitter. Criteria: ACMG Guidelines, 2015. Collection method: clinical testing. Allele origin: germline. Affected: no.

GeneDx
Classification: Uncertain significance. Last evaluated: 2013-10-04. Review status: criteria provided, single submitter. Criteria: GeneDx Variant Classification (06012015). Collection method: clinical testing. Allele origin: germline. Affected: yes.
Comment: The variant is found in EPILEPSY,INFANT-EPI panel(s).